The following is an entry in ClinVar:

NM_001018115.3(FANCD2):c.65-3C>T

Genes: FANCD2 (FA complementation group D2; plus strand), LOC107303338 (3p25 FANCD2 Alu-mediated recombination region; plus strand). Cytogenetic location: 3p25.3.
Variant type: single nucleotide variant.
Coding change: c.65-3C>T on transcript NM_001018115.3 (MANE Select); 3 bases into the intron before coding-DNA position 65, C replaced by T.
Molecular consequence: intron variant.
Genome position (GRCh38, 1-based): chr3:10,032,829, C>T. VCF-style: chr3-10032829-C-T. GRCh37 (hg19) VCF-style: chr3-10074513-C-T.
Other names: c.65-3C>T (NM_001319984.2, NM_001374253.1, NM_033084.6 and 2 more transcripts).
Identifiers: ClinVar variation 970247 (VCV000970247.9), dbSNP rs1461324891, ClinGen allele CA540890815.

ClinVar aggregate classification (germline): Uncertain significance (1 of 4 stars; one submission).

Conditions:
Fanconi anemia (FA). Also called: Fanconi's anemia. Identifiers: Orphanet 84, MedGen C0015625, MeSH D005199, MONDO:0019391.

Allele frequency attached by ClinVar (database versions not stated): gnomAD exomes below 0.00001; TOPMed below 0.00001; gnomAD 0.00001.
gnomAD v4.1: 3 of 1,611,248 alleles (0.00019%); highest among the groups gnomAD compares: East Asian, 0.0067%; no homozygotes.

Submission:

Labcorp Genetics (formerly Invitae), Labcorp
Classification: Uncertain significance for Fanconi anemia. Last evaluated: 2025-05-27. Review status: criteria provided, single submitter. Criteria: Invitae Variant Classification Sherloc (09022015). Collection method: clinical testing. Allele origin: germline.
Comment: This sequence change falls in intron 2 of the FANCD2 gene. It does not directly change the encoded amino acid sequence of the FANCD2 protein. It affects a nucleotide within the consensus splice site. This variant is present in population databases (no rsID available, gnomAD 0.006%). This variant has not been reported in the literature in individuals affected with FANCD2-related conditions. ClinVar contains an entry for this variant (Variation ID: 970247). Variants that disrupt the consensus splice site are a relatively common cause of aberrant splicing (PMID: 17576681, 9536098). Algorithms developed to predict the effect of sequence changes on RNA splicing suggest that this variant is not likely to affect RNA splicing. In summary, the available evidence is currently insufficient to determine the role of this variant in disease. Therefore, it has been classified as a Variant of Uncertain Significance.

Literature cited by the submitters: PubMed 17576681; PubMed 9536098.